The following is an entry in ClinVar:

ClinVar aggregate classification (germline): Uncertain significance. Review status: criteria provided, multiple submitters, no conflicts (2 of 4 stars). 4 submissions from 4 submitters: Uncertain significance (4). Last evaluated 2024-09-10.

Conditions:
Congenital myasthenic syndrome 10. Also called: Myasthenia, limb-girdle, familial. Identifiers: Orphanet 590, MedGen C1850792, MONDO:0009690, OMIM 254300.
Fetal akinesia deformation sequence 1 (FADS1). Also called: Fetal akinesia sequence; Pena-Shokeir syndrome type I. Identifiers: Orphanet 994, MedGen C1276035, MONDO:0100101, OMIM 208150, HP:0001989.
Inborn genetic diseases. Identifiers: MedGen C0950123, MeSH D030342.

Allele frequency attached by ClinVar (database versions not stated): gnomAD 0.00007 and 0.00008; ExAC 0.00009; TOPMed 0.00009.

Submissions (4):

Ambry Genetics
Classification: Uncertain significance for Inborn genetic diseases. Last evaluated: 2024-09-10. Review status: criteria provided, single submitter. Criteria: Ambry Variant Classification Scheme 2023. Collection method: clinical testing. Allele origin: germline.

Labcorp Genetics (formerly Invitae), Labcorp
Classification: Uncertain significance for Congenital myasthenic syndrome 10; Fetal akinesia deformation sequence 1. Last evaluated: 2022-07-19. Review status: criteria provided, single submitter. Criteria: Invitae Variant Classification Sherloc (09022015). Collection method: clinical testing. Allele origin: germline.
Comment: This sequence change replaces alanine, which is neutral and non-polar, with aspartic acid, which is acidic and polar, at codon 458 of the DOK7 protein (p.Ala458Asp). This variant is present in population databases (rs778440478, gnomAD 0.03%). This variant has not been reported in the literature in individuals affected with DOK7-related conditions. ClinVar contains an entry for this variant (Variation ID: 565957). Algorithms developed to predict the effect of missense changes on protein structure and function (SIFT, PolyPhen-2, Align-GVGD) all suggest that this variant is likely to be tolerated. In summary, the available evidence is currently insufficient to determine the role of this variant in disease. Therefore, it has been classified as a Variant of Uncertain Significance.

Revvity Omics, Revvity
Classification: Uncertain significance. Last evaluated: 2019-06-24. Review status: criteria provided, single submitter. Criteria: ACMG Guidelines, 2015. Collection method: clinical testing. Allele origin: germline.

Baylor Genetics
Classification: Uncertain significance for Congenital myasthenic syndrome 10. Last evaluated: 2018-12-23. Review status: criteria provided, single submitter. Criteria: ACMG Guidelines, 2015. Collection method: clinical testing. Allele origin: unknown. Affected: yes.
Comment: This variant was determined to be of uncertain significance according to ACMG Guidelines, 2015 [PMID:25741868].

NM_173660.5(DOK7):c.1373C>A (p.Ala458Asp)

Gene: DOK7 (docking protein 7; plus strand). Cytogenetic location: 4p16.3.
Variant type: single nucleotide variant.
Coding change: c.1373C>A on transcript NM_173660.5 (MANE Select); coding-DNA position 1373, C replaced by A.
Protein change: p.Ala458Asp; replaces alanine 458 with aspartic acid.
Molecular consequence: missense variant. On other transcripts: 3 prime UTR variant (1).
Genome position (GRCh38, 1-based): chr4:3,493,359, C>A. VCF-style: chr4-3493359-C-A. GRCh37 (hg19) VCF-style: chr4-3495086-C-A.
Other names: c.*594C>A (NM_001164673.2); c.443C>A, p.Ala148Asp (NM_001256896.2); c.1373C>A, p.Ala458Asp (NM_001301071.2); c.941C>A, p.Ala314Asp (NM_001363811.2); short protein forms A458D, A314D, A148D.
Identifiers: ClinVar variation 565957 (VCV000565957.20), dbSNP rs778440478, ClinGen allele CA2829491.
Genomic context (GRCh38, chr4:3,493,359, plus strand): 5'-CGTCCGCCGGGTGTCCCTCTGGCTGGCTGGGCACGAGACGGCGGGGCCTGGTGATGGAGG[C>A]CCCCCAGGGCAGCGAGGCCACACTGCCTGGCCCTGCCCCTGGCGAGCCCTGGGAAGCAGG-3'
Protein context (NP_775931.3, residues 448-468): GTRRRGLVME[Ala458Asp]PQGSEATLPG